The following is an entry in ClinVar:

NM_006766.5(KAT6A):c.638T>A (p.Leu213His)

Gene: KAT6A (lysine acetyltransferase 6A; minus strand). Cytogenetic location: 8p11.21.
Variant type: single nucleotide variant.
Coding change: c.638T>A on transcript NM_006766.5 (MANE Select); coding-DNA position 638, T replaced by A.
Protein change: p.Leu213His; replaces leucine 213 with histidine.
Molecular consequence: missense variant.
Genome position (GRCh38, 1-based): chr8:41,987,526, A>T on the plus strand (T>A on the coding strand, the complement: KAT6A is on the minus strand). VCF-style: chr8-41987526-A-T. GRCh37 (hg19) VCF-style: chr8-41845044-A-T.
Other names: c.638T>A, p.Leu213His (NM_001305878.2); short protein forms L213H.
Identifiers: ClinVar variation 1311988 (VCV001311988.4), dbSNP rs2150893468, ClinGen allele CA371174232.
Genomic context (GRCh38, chr8:41,987,526, plus strand): 5'-CAGTCGGCACAGGAGATGAGTTCCTCTGGCTTCTTTTCTCGGTTTTGTTCTTTTGTACCA[A>T]GACAGAAACTACAGATGGGGATTGGTTCAGCAACCGGCTGTGAAGAAAAACACAATTCAT-3'
Protein context (NP_006757.2, residues 203-223): AEPIPICSFC[Leu213His]GTKEQNREKK

ClinVar aggregate classification (germline): Uncertain significance (1 of 4 stars; one submission).

Submission:

GeneDx
Classification: Uncertain significance. Last evaluated: 2023-09-13. Review status: criteria provided, single submitter. Criteria: GeneDx Variant Classification Process June 2021. Collection method: clinical testing. Allele origin: germline. Affected: yes.
Comment: Not observed in large population cohorts (gnomAD); In silico analysis supports that this missense variant has a deleterious effect on protein structure/function; Has not been previously published as pathogenic or benign to our knowledge